The following is an entry in ClinVar:

NM_020975.6(RET):c.2930G>C (p.Ser977Thr)

Gene: RET (ret proto-oncogene; plus strand). Cytogenetic location: 10q11.21.
Variant type: single nucleotide variant.
Coding change: c.2930G>C on transcript NM_020975.6 (MANE Select); coding-DNA position 2930, G replaced by C.
Protein change: p.Ser977Thr; replaces serine 977 with threonine.
Molecular consequence: missense variant.
Genome position (GRCh38, 1-based): chr10:43,123,799, G>C. VCF-style: chr10-43123799-G-C. GRCh37 (hg19) VCF-style: chr10-43619247-G-C.
Other names: c.1904G>C, p.Ser635Thr (NM_001406783.1, NM_001406786.1); c.1940G>C, p.Ser647Thr (NM_001406784.1); c.1745G>C, p.Ser582Thr (NM_001406788.1, NM_001406789.1, NM_001406790.1); c.1913G>C, p.Ser638Thr (NM_001406785.1); c.1898G>C, p.Ser633Thr (NM_001406787.1); c.2930G>C, p.Ser977Thr (NM_000323.2, NM_001406743.1, NM_001406744.1 and 4 more transcripts); c.2168G>C, p.Ser723Thr (NM_001355216.2); c.2801G>C, p.Ser934Thr (NM_001406761.1, NM_001406762.1, NM_001406764.1); and 10 more; short protein forms S635T, S647T, S678T, S831T, S889T, S934T, S542T, S633T.
Identifiers: ClinVar variation 1797813 (VCV001797813.2), dbSNP rs1241725166, ClinGen allele CA376557987.

ClinVar aggregate classification (germline): Uncertain significance (1 of 4 stars; one submission).

Conditions:
Hereditary cancer-predisposing syndrome. Also called: Neoplastic Syndromes, Hereditary; Tumor predisposition; Hereditary Cancer Syndrome; Hereditary neoplastic syndrome. Identifiers: Orphanet 140162, MedGen C0027672, MeSH D009386, MONDO:0015356.

Allele frequency attached by ClinVar (database versions not stated): gnomAD exomes below 0.00001.
gnomAD v4.1: 2 of 1,614,112 alleles (0.00012%); highest among the groups gnomAD compares: South Asian, 0.0022%; no homozygotes.

Submission:

Ambry Genetics
Classification: Uncertain significance for Hereditary cancer-predisposing syndrome. Last evaluated: 2022-05-17. Review status: criteria provided, single submitter. Criteria: Ambry Variant Classification Scheme 2023. Collection method: clinical testing. Allele origin: germline.
Comment: The p.S977T variant (also known as c.2930G>C), located in coding exon 17 of the RET gene, results from a G to C substitution at nucleotide position 2930. The serine at codon 977 is replaced by threonine, an amino acid with similar properties. This amino acid position is conserved. In addition, the in silico prediction for this alteration is inconclusive. Since supporting evidence is limited at this time, the clinical significance of this alteration remains unclear.